The following is an entry in ClinVar:

ClinVar aggregate classification (germline): Uncertain significance (1 of 4 stars; one submission).

Allele frequency attached by ClinVar (database versions not stated): TOPMed below 0.00001.
gnomAD v4.1: 5 of 1,613,778 alleles (0.00031%); highest among the groups gnomAD compares: Middle Eastern, 0.017%; no homozygotes.

Submission:

Labcorp Genetics (formerly Invitae), Labcorp
Classification: Uncertain significance. Last evaluated: 2022-04-29. Review status: criteria provided, single submitter. Criteria: Invitae Variant Classification Sherloc (09022015). Collection method: clinical testing. Allele origin: germline.
Comment: This variant has not been reported in the literature in individuals affected with DNAH9-related conditions. In summary, the available evidence is currently insufficient to determine the role of this variant in disease. Therefore, it has been classified as a Variant of Uncertain Significance. Algorithms developed to predict the effect of sequence changes on RNA splicing suggest that this variant is not likely to affect RNA splicing. This variant is not present in population databases (gnomAD no frequency). This sequence change affects codon 657 of the DNAH9 mRNA. It is a 'silent' change, meaning that it does not change the encoded amino acid sequence of the DNAH9 protein. It affects a nucleotide within the consensus splice site.

NM_001372.4(DNAH9):c.1971G>A (p.Lys657=)

Gene: DNAH9 (dynein axonemal heavy chain 9; plus strand). Cytogenetic location: 17p12.
Variant type: single nucleotide variant.
Coding change: c.1971G>A on transcript NM_001372.4 (MANE Select); coding-DNA position 1971, G replaced by A.
Protein change: p.Lys657=; no amino-acid change (lysine 657 retained).
Molecular consequence: synonymous variant.
Genome position (GRCh38, 1-based): chr17:11,647,072, G>A. VCF-style: chr17-11647072-G-A. GRCh37 (hg19) VCF-style: chr17-11550389-G-A.
Identifiers: ClinVar variation 1941767 (VCV001941767.5), dbSNP rs1170181224, ClinGen allele CA497870822.
Genomic context (GRCh38, chr17:11,647,072, plus strand): 5'-CCAGGCACCGGTGAGCTGGGAGGGGGCTTATGAGGTGGCTGTTGTCTCTGACCCTTGCAG[G>A]TATGAGACAAGACTTTATGAGGATTGGTGCCGGACAGTATCAGAGAAGTCACAGTACAAT-3'
Protein context (NP_001363.2, residues 647-667): KYEDMLSLLE[Lys657=]YETRLYEDWC